The following is an entry in ClinVar:

NM_000350.3(ABCA4):c.1699G>A (p.Val567Met)

Gene: ABCA4 (ATP binding cassette subfamily A member 4; minus strand). Cytogenetic location: 1p22.1.
Variant type: single nucleotide variant.
Coding change: c.1699G>A on transcript NM_000350.3 (MANE Select); coding-DNA position 1699, G replaced by A.
Protein change: p.Val567Met; replaces valine 567 with methionine.
Molecular consequence: missense variant.
Genome position (GRCh38, 1-based): chr1:94,063,173, C>T on the plus strand (G>A on the coding strand, the complement: ABCA4 is on the minus strand). VCF-style: chr1-94063173-C-T. GRCh37 (hg19) VCF-style: chr1-94528729-C-T.
Other names: c.1699G>A, p.Val567Met (NM_001425324.1); short protein forms V567M.
Identifiers: ClinVar variation 143073 (VCV000143073.24), dbSNP rs74516571, ClinGen allele CA232813.

ClinVar aggregate classification (germline): Conflicting classifications of pathogenicity. Review status: criteria provided, conflicting classifications (1 of 4 stars). 8 submissions from 8 submitters: Uncertain significance (4); Benign (1); Likely benign (2). 1 of the submissions does not count toward it. Last evaluated 2026-01-26.

Conditions:
ABCA4-related disorder. Also called: ABCA4-related disorders; ABCA4-related condition. Identifiers: MedGen CN239167.
Retinal dystrophy. Also called: Inherited retinal dystrophy. Identifiers: Orphanet 71862, MedGen C0854723, MeSH D058499, MONDO:0019118, HP:0000556.
Retinitis pigmentosa 19 (RP19). Also called: ABCA4-Related Retinitis Pigmentosa. Identifiers: Orphanet 791, MedGen C1866422, MONDO:0011137, OMIM 601718.

Allele frequency attached by ClinVar (database versions not stated): gnomAD 0.00004 and 0.00012; TOPMed 0.00007; gnomAD exomes 0.00025; 1000 Genomes Project 0.00080; ExAC 0.00030; 1000 Genomes Project 30x 0.00062.
gnomAD v4.1: 518 of 1,614,084 alleles (0.032%); highest among the groups gnomAD compares: East Asian, 1%; 3 homozygotes.

Submissions (8):

Labcorp Genetics (formerly Invitae), Labcorp
Classification: Likely benign. Last evaluated: 2026-01-26. Review status: criteria provided, single submitter. Criteria: Invitae Variant Classification Sherloc (09022015). Collection method: clinical testing. Allele origin: germline.

3billion
Classification: Uncertain significance for Retinitis pigmentosa 19. Last evaluated: 2025-12-07. Review status: criteria provided, single submitter. Criteria: ACMG Guidelines, 2015. Collection method: clinical testing. Allele origin: germline. Affected: yes.
Comment: The variant is observed at an extremely low frequency in the gnomAD v4.1.0 dataset (total allele frequency: 0.032%). Predicted Consequence/Location: Missense variant In silico tool predictions suggest damaging effect of the variant on gene or gene product [REVEL: 0.81 (>=0.6, sensitivity 0.68 and specificity 0.92); 3Cnet: 0.92 (> 0.75, sensitivity 0.96 and precision 0.92)]. The same nucleotide change resulting in the same amino acid change has been previously reported to be associated with ABCA4-related disorder (3billion dataset). Therefore, this variant is classified as VUS according to the recommendation of ACMG/AMP guideline.

PreventionGenetics, part of Exact Sciences
Classification: Likely benign for ABCA4-related condition. Last evaluated: 2025-11-06. Review status: criteria provided, single submitter. Criteria: ACMG Guidelines, 2015. Collection method: clinical testing. Allele origin: germline.
Comment: This variant is classified as likely benign based on ACMG/AMP sequence variant interpretation guidelines (Richards et al. 2015 PMID: 25741868, with internal and published modifications).

Blueprint Genetics
Classification: Uncertain significance. Last evaluated: 2024-08-27. Review status: criteria provided, single submitter. Criteria: ACMG Guidelines, 2015. Collection method: clinical testing. Allele origin: germline.

Dept Of Ophthalmology, Nagoya University
Classification: Benign for Retinal dystrophy. Last evaluated: 2023-10-01. Review status: criteria provided, single submitter. Criteria: Submitter's publication. Collection method: research. Allele origin: germline. Affected: yes.

Illumina Laboratory Services, Illumina
Classification: Uncertain significance for ABCA4-Related Disorders. Last evaluated: 2017-04-27. Review status: criteria provided, single submitter. Criteria: ICSL Variant Classification Criteria 13 December 2019. Collection method: clinical testing. Allele origin: germline.

Eurofins Ntd Llc (ga)
Classification: Uncertain significance. Last evaluated: 2014-04-25. Review status: criteria provided, single submitter. Criteria: EGL Classification Definitions 2015. Collection method: clinical testing. Allele origin: germline. Observed: 1 variant allele, 1 heterozygote.

Department of Ophthalmology and Visual Sciences Kyoto University
Classification: Likely benign. Review status: no assertion criteria provided. Collection method: not provided. Allele origin: unknown. Not counted in ClinVar's aggregate classification.
ClinVar note: Converted during submission from probable-non-pathogenic to Likely benign.